The following is an entry in ClinVar:

ClinVar aggregate classification (germline): Pathogenic (1 of 4 stars; one submission).

Conditions:
Cardiovascular phenotype. Identifiers: MedGen CN230736.

Submission:

Ambry Genetics
Classification: Pathogenic for Cardiovascular phenotype. Last evaluated: 2026-04-14. Review status: criteria provided, single submitter. Criteria: Ambry Variant Classification Scheme 2023. Collection method: clinical testing. Allele origin: germline.
Comment: The p.Y1803* pathogenic mutation (also known as c.5409C>G), located in coding exon 26 of the APOB gene, results from a C to G substitution at nucleotide position 5409. This changes the amino acid from a tyrosine to a stop codon within coding exon 26. This variant was reported in individual(s) with features consistent with metabolic syndrome (Lee S et al. Diabetol Metab Syndr, 2022 Aug;14:119). This variant is considered to be rare based on population cohorts in the Genome Aggregation Database (gnomAD). This alteration is expected to result in loss of function by premature protein truncation or nonsense-mediated mRNA decay. Although biallelic loss of function of APOB has been associated with autosomal recessive hypobetalipoproteinemia, haploinsufficiency of APOB is not a mechanism of disease for autosomal dominant familial hypercholesterolemia. Based on the supporting evidence, this variant is expected to be causative of autosomal recessive hypobetalipoproteinemia when present along with a second pathogenic variant on the other allele; however, it is unlikely to be causative of autosomal dominant familial hypercholesterolemia.

Literature cited by the submitters: PubMed 35999587.

NM_000384.3(APOB):c.5409C>G (p.Tyr1803Ter)

Gene: APOB (apolipoprotein B; minus strand). Cytogenetic location: 2p24.1.
Variant type: single nucleotide variant.
Coding change: c.5409C>G on transcript NM_000384.3 (MANE Select); coding-DNA position 5409, C replaced by G.
Protein change: p.Tyr1803Ter; replaces tyrosine 1803 with a stop codon.
Molecular consequence: nonsense.
Genome position (GRCh38, 1-based): chr2:21,011,459, G>C on the plus strand (C>G on the coding strand, the complement: APOB is on the minus strand). VCF-style: chr2-21011459-G-C. GRCh37 (hg19) VCF-style: chr2-21234331-G-C.
Other names: short protein forms Y1803*.
Identifiers: ClinVar variation 4862395 (VCV004862395.1).